The following is an entry in ClinVar:

NM_032447.5(FBN3):c.5992C>A (p.Pro1998Thr)

Gene: FBN3 (fibrillin 3; minus strand). Cytogenetic location: 19p13.2.
Variant type: single nucleotide variant.
Coding change: c.5992C>A on transcript NM_032447.5 (MANE Select); coding-DNA position 5992, C replaced by A.
Protein change: p.Pro1998Thr; replaces proline 1998 with threonine.
Molecular consequence: missense variant.
Genome position (GRCh38, 1-based): chr19:8,091,504, G>T on the plus strand (C>A on the coding strand, the complement: FBN3 is on the minus strand). VCF-style: chr19-8091504-G-T. GRCh37 (hg19) VCF-style: chr19-8156388-G-T.
Other names: c.5992C>A, p.Pro1998Thr (NM_001321431.2); short protein forms P1998T.
Identifiers: ClinVar variation 3611756 (VCV003611756.2).

ClinVar aggregate classification (germline): Uncertain significance (1 of 4 stars; one submission).

Submission:

Labcorp Genetics (formerly Invitae), Labcorp
Classification: Uncertain significance. Last evaluated: 2024-05-23. Review status: criteria provided, single submitter. Criteria: Invitae Variant Classification Sherloc (09022015). Collection method: clinical testing. Allele origin: germline.
Comment: This sequence change replaces proline, which is neutral and non-polar, with threonine, which is neutral and polar, at codon 1998 of the FBN3 protein (p.Pro1998Thr). This variant is present in population databases (rs770851947, gnomAD no frequency). This variant has not been reported in the literature in individuals affected with FBN3-related conditions. Advanced modeling of protein sequence and biophysical properties (such as structural, functional, and spatial information, amino acid conservation, physicochemical variation, residue mobility, and thermodynamic stability) performed at Invitae indicates that this missense variant is not expected to disrupt FBN3 protein function with a negative predictive value of 80%. In summary, the available evidence is currently insufficient to determine the role of this variant in disease. Therefore, it has been classified as a Variant of Uncertain Significance.